The following is an entry in ClinVar:

ClinVar aggregate classification (germline): Uncertain significance (1 of 4 stars; one submission).

Conditions:
Adenylosuccinate lyase deficiency (ADSLD). Also called: ADSL DEFICIENCY. Identifiers: Orphanet 46, MedGen C0268126, MONDO:0007068, OMIM 103050.

Allele frequency attached by ClinVar (database versions not stated): gnomAD 0.00002; TOPMed 0.00002.

Submission:

Labcorp Genetics (formerly Invitae), Labcorp
Classification: Uncertain significance for Adenylosuccinate lyase deficiency. Last evaluated: 2022-08-20. Review status: criteria provided, single submitter. Criteria: Invitae Variant Classification Sherloc (09022015). Collection method: clinical testing. Allele origin: germline.
Comment: This variant occurs in a non-coding region of the ADSL gene. It does not change the encoded amino acid sequence of the ADSL protein. This variant is not present in population databases (gnomAD no frequency). This variant has not been reported in the literature in individuals affected with ADSL-related conditions. Experimental studies and prediction algorithms are not available or were not evaluated, and the functional significance of this variant is currently unknown. In summary, the available evidence is currently insufficient to determine the role of this variant in disease. Therefore, it has been classified as a Variant of Uncertain Significance.

NC_000022.11:g.40345860G>A

Gene: ADSL (adenylosuccinate lyase; plus strand). Cytogenetic location: 22q13.1.
Variant type: single nucleotide variant.
Genome position: GRCh38 VCF-style: chr22-40345860-G-A. GRCh37 (hg19) VCF-style: chr22-40741864-G-A.
Identifiers: ClinVar variation 1919416 (VCV001919416.3), dbSNP rs941244584, ClinGen allele CA324446420.
Genomic context (GRCh38, chr22:40,345,860, plus strand): 5'-TTTTGTATTTTAGTAGAGACAGGGTTTCACGTGTTGCCCAGGCTGGTCTCAAACTCCTAA[G>A]CTCAGGAAATCTGCCTGCCTCGACCTCCCGAAGTGCTGGGATTACAGGCGTAGGCCACCG-3'